The following is an entry in ClinVar:

ClinVar aggregate classification (germline): Pathogenic (1 of 4 stars; one submission).

Conditions:
LAMB2-related infantile-onset nephrotic syndrome. Also called: NEPHROTIC SYNDROME, TYPE 5, WITHOUT OCULAR ABNORMALITIES; NEPHROTIC SYNDROME, TYPE 5, WITH OCULAR ABNORMALITIES; Nephrotic Syndrome, type 5. Identifiers: Orphanet 306507, MedGen C3280113, MONDO:0013621, OMIM 614199.
Pierson syndrome. Also called: MICROCORIA-CONGENITAL NEPHROTIC SYNDROME. Identifiers: Orphanet 2670, MedGen C1836876, MONDO:0012184, OMIM 609049.

gnomAD v4.1: 30 of 1,613,620 alleles (0.0019%); highest among the groups gnomAD compares: Non-Finnish European, 0.0025%; no homozygotes.

Submission:

Labcorp Genetics (formerly Invitae), Labcorp
Classification: Pathogenic for LAMB2-related infantile-onset nephrotic syndrome; Pierson syndrome. Last evaluated: 2025-03-22. Review status: criteria provided, single submitter. Criteria: Invitae Variant Classification Sherloc (09022015). Collection method: clinical testing. Allele origin: germline.
Comment: This sequence change creates a premature translational stop signal (p.Gln74*) in the LAMB2 gene. It is expected to result in an absent or disrupted protein product. Loss-of-function variants in LAMB2 are known to be pathogenic (PMID: 15367484). This variant is present in population databases (no rsID available, gnomAD 0.0009%). This variant has not been reported in the literature in individuals affected with LAMB2-related conditions. Algorithms developed to predict the effect of sequence changes on RNA splicing suggest that this variant may disrupt the consensus splice site. For these reasons, this variant has been classified as Pathogenic.

Literature cited by the submitters: PubMed 15367484.

NM_002292.4(LAMB2):c.220C>T (p.Gln74Ter)

Gene: LAMB2 (laminin subunit beta 2; minus strand). Cytogenetic location: 3p21.31.
Variant type: single nucleotide variant.
Coding change: c.220C>T on transcript NM_002292.4 (MANE Select); coding-DNA position 220, C replaced by T.
Protein change: p.Gln74Ter; replaces glutamine 74 with a stop codon.
Molecular consequence: nonsense.
Genome position (GRCh38, 1-based): chr3:49,132,520, G>A on the plus strand (C>T on the coding strand, the complement: LAMB2 is on the minus strand). VCF-style: chr3-49132520-G-A. GRCh37 (hg19) VCF-style: chr3-49169953-G-A.
Other names: short protein forms Q74*.
Identifiers: ClinVar variation 4787902 (VCV004787902.1).
Genomic context (GRCh38, chr3:49,132,520, plus strand): 5'-ACTCGGCGTCACACCCTGTCCCCAGCCACACCTGCAGGTGACTGACGATGCAGTAGGGCT[G>A]GGGGCCATTCAGGCCACAAGTGGATGAGGCAGTCAGTCTGTCAGCTCGGCCCACCAGCAG-3'